The following is an entry in ClinVar:

NM_001276345.2(TNNT2):c.600+4G>C

Gene: TNNT2 (troponin T2, cardiac type; minus strand). Cytogenetic location: 1q32.1.
Variant type: single nucleotide variant.
Coding change: c.600+4G>C on transcript NM_001276345.2 (MANE Select); 4 bases into the intron after coding-DNA position 600, G replaced by C.
Molecular consequence: intron variant.
Genome position (GRCh38, 1-based): chr1:201,363,292, C>G on the plus strand (G>C on the coding strand, the complement: TNNT2 is on the minus strand). VCF-style: chr1-201363292-C-G. GRCh37 (hg19) VCF-style: chr1-201332420-C-G.
Other names: c.555+4G>C (NM_001001432.3); c.570+4G>C (NM_001001431.3, NM_001001430.3, NM_001276347.2); c.480+4G>C (NM_001276346.2); c.600+4G>C (NM_000364.4).
Identifiers: ClinVar variation 1467006 (VCV001467006.7), dbSNP rs372988386, ClinGen allele CA089047.

ClinVar aggregate classification (germline): Conflicting classifications of pathogenicity. Review status: criteria provided, conflicting classifications (1 of 4 stars). 2 submissions from 2 submitters: Uncertain significance (1); Likely benign (1). Last evaluated 2024-01-09.

Conditions:
Hypertrophic cardiomyopathy 2. Also called: TNNT2-Related Familial Hypertrophic Cardiomyopathy. Identifiers: MedGen C1861864, MONDO:0007266, OMIM 115195.
Cardiomyopathy, familial restrictive, 3. Identifiers: Orphanet 75249, MedGen C2676271, MONDO:0012900, OMIM 612422.
Dilated cardiomyopathy 1D. Identifiers: Orphanet 154, Orphanet 54260, MedGen C1832243, MONDO:0011095, OMIM 601494.

Allele frequency attached by ClinVar (database versions not stated): TOPMed 0.00002; ESP Exome Variant Server 0.00008.
gnomAD v4.1: 2 of 1,614,046 alleles (0.00012%); highest among the groups gnomAD compares: Non-Finnish European, 0.00017%; no homozygotes.

Submissions (2):

Blueprint Genetics
Classification: Likely benign. Last evaluated: 2024-01-09. Review status: criteria provided, single submitter. Criteria: ACMG Guidelines, 2015. Collection method: clinical testing. Allele origin: germline.

Labcorp Genetics (formerly Invitae), Labcorp
Classification: Uncertain significance for Cardiomyopathy, familial restrictive, 3; Hypertrophic cardiomyopathy 2; Dilated cardiomyopathy 1D. Last evaluated: 2020-11-04. Review status: criteria provided, single submitter. Criteria: Invitae Variant Classification Sherloc (09022015). Collection method: clinical testing. Allele origin: germline.
Comment: This variant is present in population databases (rs372988386, ExAC 0.001%). This sequence change falls in intron 11 of the TNNT2 gene. It does not directly change the encoded amino acid sequence of the TNNT2 protein. It affects a nucleotide within the consensus splice site of the intron. This variant has not been reported in the literature in individuals with TNNT2-related conditions. Nucleotide substitutions within the consensus splice site are a relatively common cause of aberrant splicing (PMID: 17576681, 9536098). Algorithms developed to predict the effect of sequence changes on RNA splicing suggest that this variant is not likely to affect RNA splicing, but this prediction has not been confirmed by published transcriptional studies. In summary, the available evidence is currently insufficient to determine the role of this variant in disease. Therefore, it has been classified as a Variant of Uncertain Significance.

Literature cited by the submitters: PubMed 17576681 (cited by Labcorp Genetics (formerly Invitae), Labcorp); PubMed 9536098 (cited by Labcorp Genetics (formerly Invitae), Labcorp).